The following is an entry in ClinVar:

ClinVar aggregate classification (germline): Pathogenic/Likely pathogenic. Review status: criteria provided, multiple submitters, no conflicts (2 of 4 stars). 2 submissions from 2 submitters: Pathogenic (1); Likely pathogenic (1). Last evaluated 2026-01-12.

Conditions:
Neurodegeneration with brain iron accumulation 4 (NBIA4). Also called: MITOCHONDRIAL PROTEIN-ASSOCIATED NEURODEGENERATION. Identifiers: Orphanet 289560, MedGen C3280371, MONDO:0013674, OMIM 614298. Disease mechanism: loss of function.

Submissions (2):

3billion
Classification: Likely pathogenic for Neurodegeneration with brain iron accumulation 4. Last evaluated: 2026-01-12. Review status: criteria provided, single submitter. Criteria: ACMG Guidelines, 2015. Collection method: clinical testing. Allele origin: germline. Affected: yes.
Comment: The variant is not observed in the gnomAD v4.1.0 dataset. Predicted Consequence/Location: Frameshift: predicted to result in a loss or disruption of normal protein function through protein truncation. The predicted truncated protein may be shortened by more than 10%. The variant has been reported to be associated with C19orf12-related disorder (ClinVar ID: VCV003897650 /PMID: 31087512). Therefore, this variant is classified as Likely pathogenic according to the recommendation of ACMG/AMP guideline.

Molecular Genetics, University Hospital Bordeaux
Classification: Pathogenic for Neurodegeneration with brain iron accumulation 4. Last evaluated: 2025-04-07. Review status: criteria provided, single submitter. Criteria: ACMG Guidelines, 2015. Collection method: clinical testing. Allele origin: germline. Affected: yes.

Literature cited by the submitters: PubMed 31087512 (cited by 3billion).

NM_031448.6(C19orf12):c.245del (p.Pro82fs)

Gene: C19orf12 (chromosome 19 open reading frame 12; minus strand). Cytogenetic location: 19q12.
Variant type: Deletion.
Coding change: c.245del on transcript NM_031448.6 (MANE Select); coding-DNA position 245, one base deleted (C; older notation c.245delC).
Protein change: p.Pro82fs; shifts the reading frame from proline 82.
Molecular consequence: frameshift variant.
Genome position (GRCh38, 1-based): chr19:29,702,893, G deleted on the plus strand (C on the coding strand, the reverse complement: C19orf12 is on the minus strand); the first of 5 consecutive G bases (chr19:29,702,893-29,702,897); deleting any one gives the same sequence. VCF-style (leftmost placement, unchanged base first): chr19-29702892-AG-A. GRCh37 (hg19) VCF-style: chr19-30193799-AG-A.
Other names: c.245del, p.Pro82fs (NM_001031726.4, NM_001256046.3, NM_001256047.2); c.53del, p.Pro18fs (NM_001282929.1, NM_001282930.3, NM_001282931.3); short protein forms P18fs, P82fs.
Identifiers: ClinVar variation 3897650 (VCV003897650.2).
Genomic context (GRCh38, chr19:29,702,892, plus strand): 5'-CGTCCACTCCAGGTGCCTGATGATGGCTGCGGCTTCGTTAAAGAGCCTCTGTTGCTCGGC[AG>A]GGGGCAGCTCCATTAGGATCTGAGGAACCGGCTTAAACTGTCCACTTGTCATCCAGGCAC-3'